The following is an entry in ClinVar:

ClinVar aggregate classification (germline): Conflicting classifications of pathogenicity. Review status: criteria provided, conflicting classifications (1 of 4 stars). 8 submissions from 8 submitters: Uncertain significance (7); Likely benign (1). Last evaluated 2026-05-06.

Conditions:
MITF-related disorder. Also called: MITF-related condition.
Melanoma, cutaneous malignant, susceptibility to, 8. Also called: Cutaneous malignant melanoma 8; MELANOMA AND RENAL CELL CARCINOMA, SUSCEPTIBILITY TO. Identifiers: Orphanet 293822, MedGen C3152204, MONDO:0013759, OMIM 614456.

Allele frequency attached by ClinVar (database versions not stated): ExAC 0.00014; gnomAD exomes 0.00014 and 0.00016; 1000 Genomes Project 30x 0.00016; gnomAD 0.00017 and 0.00019; 1000 Genomes Project 0.00020; TOPMed 0.00020; ESP Exome Variant Server 0.00023.
gnomAD v4.1: 231 of 1,614,212 alleles (0.014%); highest among the groups gnomAD compares: Middle Eastern, 0.23%; no homozygotes.

Submissions (8):

PreventionGenetics, part of Exact Sciences
Classification: Uncertain significance for MITF-related condition. Last evaluated: 2026-05-06. Review status: criteria provided, single submitter. Criteria: ACMG Guidelines, 2015. Collection method: clinical testing. Allele origin: germline.
Comment: The MITF c.329C>T variant is predicted to result in the amino acid substitution p.Thr110Met. To our knowledge, this variant has not been reported in the literature. This variant is reported in 0.023% of alleles in individuals of European (Non-Finnish) descent in gnomAD. At this time, the clinical significance of this variant is uncertain due to the absence of conclusive functional and genetic evidence.

St. Jude Molecular Pathology, St. Jude Children's Research Hospital
Classification: Uncertain significance for Melanoma, cutaneous malignant, susceptibility to, 8. Last evaluated: 2026-02-11. Review status: criteria provided, single submitter. Criteria: St. Jude Assertion Criteria 2020. Collection method: clinical testing. Allele origin: germline.
Comment: The MITF c.329C>T p.(Thr110Met) missense change has a maximum population frequency of 0.02% in gnomAD v2.1.1. The in silico tool REVEL predicts a benign effect on protein function, but to our knowledge this prediction has not been confirmed by functional studies. To our knowledge, this variant has not been reported in the literature in individuals with melanoma or renal cell carcinoma. In summary, the evidence currently available is insufficient to determine the clinical significance of this variant. It has therefore been classified as of uncertain significance.

CeGaT Center for Human Genetics Tuebingen
Classification: Uncertain significance. Last evaluated: 2026-01-01. Review status: criteria provided, single submitter. Criteria: CeGaT Center For Human Genetics Tuebingen Variant Classification Criteria Version 2. Collection method: clinical testing. Allele origin: germline. Affected: yes. Observed: 2 variant alleles.

Dasa
Classification: Likely benign. Last evaluated: 2025-12-10. Review status: criteria provided, single submitter. Criteria: DASA Assertion Criteria. Collection method: clinical testing. Allele origin: germline.
Comment: NM_001354604.2(MITF):c.329C>T (p.Thr110Met) is a missense variant that results in the substitution of threonine with methionine. Computational prediction algorithms are consistent with a benign effect. Therefore, based on the currently available evidence, this variant is classified as likely benign.

Center for Genomic Medicine, Rigshospitalet, Copenhagen University Hospital
Classification: Uncertain significance. Last evaluated: 2025-03-04. Review status: criteria provided, single submitter. Criteria: ACMG Guidelines, 2015. Collection method: clinical testing. Allele origin: germline.

Blueprint Genetics
Classification: Uncertain significance. Last evaluated: 2024-11-11. Review status: criteria provided, single submitter. Criteria: ACMG Guidelines, 2015. Collection method: clinical testing. Allele origin: germline.

Laboratory for Molecular Medicine, Mass General Brigham Personalized Medicine
Classification: Uncertain significance. Last evaluated: 2015-06-16. Review status: criteria provided, single submitter. Criteria: LMM Criteria. Collection method: clinical testing. Allele origin: germline. Observed: 1 variant allele.
Comment: The p.Thr110Met variant in MITF has not been previously reported in individuals with hearing loss, but has been identified in 15/66632 European chromosomes by t he Exome Aggregation Consortium (ExAC; dbSNP rs1 90215588). Although this variant has been seen in the general population, its fr equency is not high enough to rule out a pathogenic role. Computational predicti on tools do not provide strong support for or against an impact to the protein. In summary, the clinical significance of the p.Thr110Met variant is uncertain.

Breakthrough Genomics
Classification: Uncertain significance. Review status: criteria provided, single submitter. Criteria: ACMG Guidelines, 2015. Collection method: not provided. Allele origin: germline. Inheritance: Autosomal recessive inheritance. Affected: yes.

NM_001354604.2(MITF):c.329C>T (p.Thr110Met)

Gene: MITF (melanocyte inducing transcription factor; plus strand). Cytogenetic location: 3p13.
Variant type: single nucleotide variant.
Coding change: c.329C>T on transcript NM_001354604.2 (MANE Select); coding-DNA position 329, C replaced by T.
Protein change: p.Thr110Met; replaces threonine 110 with methionine.
Molecular consequence: missense variant.
Genome position (GRCh38, 1-based): chr3:69,879,358, C>T. VCF-style: chr3-69879358-C-T. GRCh37 (hg19) VCF-style: chr3-69928509-C-T.
Other names: c.173C>T, p.Thr58Met (NM_001184967.2, NM_001354608.2); c.326C>T, p.Thr109Met (NM_001354605.2, NM_001354606.2, NM_006722.3); c.278C>T, p.Thr93Met (NM_001354607.2); c.329C>T, p.Thr110Met (NM_198159.3); c.281C>T, p.Thr94Met (NM_198177.3); c.329C>T (NM_001354604.1); short protein forms T110M, T109M, T58M, T93M, T94M.
Identifiers: ClinVar variation 228855 (VCV000228855.33), dbSNP rs190215588, ClinGen allele CA2490294.